The following is an entry in ClinVar:

ClinVar aggregate classification (germline): Uncertain significance (1 of 4 stars; one submission).

gnomAD v4.1: 2 of 1,424,124 alleles (0.00014%); highest among the groups gnomAD compares: Non-Finnish European, 0.00019%; no homozygotes.

Submission:

Labcorp Genetics (formerly Invitae), Labcorp
Classification: Uncertain significance. Last evaluated: 2022-06-03. Review status: criteria provided, single submitter. Criteria: Invitae Variant Classification Sherloc (09022015). Collection method: clinical testing. Allele origin: germline.
Comment: In summary, the available evidence is currently insufficient to determine the role of this variant in disease. Therefore, it has been classified as a Variant of Uncertain Significance. Algorithms developed to predict the effect of missense changes on protein structure and function (SIFT, PolyPhen-2, Align-GVGD) all suggest that this variant is likely to be tolerated. This variant has not been reported in the literature in individuals affected with ADGRV1-related conditions. This variant is not present in population databases (gnomAD no frequency). This sequence change replaces leucine, which is neutral and non-polar, with phenylalanine, which is neutral and non-polar, at codon 152 of the ADGRV1 protein (p.Leu152Phe).

NM_032119.4(ADGRV1):c.454C>T (p.Leu152Phe)

Gene: ADGRV1 (adhesion G protein-coupled receptor V1; plus strand). Cytogenetic location: 5q14.3.
Variant type: single nucleotide variant.
Coding change: c.454C>T on transcript NM_032119.4 (MANE Select); coding-DNA position 454, C replaced by T.
Protein change: p.Leu152Phe; replaces leucine 152 with phenylalanine.
Molecular consequence: missense variant. On other transcripts: non-coding transcript variant (1).
Genome position (GRCh38, 1-based): chr5:90,622,597, C>T. VCF-style: chr5-90622597-C-T. GRCh37 (hg19) VCF-style: chr5-89918414-C-T.
Other names: short protein forms L152F.
Identifiers: ClinVar variation 2028845 (VCV002028845.4), dbSNP rs1484186665, ClinGen allele CA360362759.